The following is an entry in ClinVar:

NM_004667.6(HERC2):c.12196G>A (p.Ala4066Thr)

Gene: HERC2 (HECT and RLD domain containing E3 ubiquitin protein ligase 2; minus strand). Cytogenetic location: 15q13.1.
Variant type: single nucleotide variant.
Coding change: c.12196G>A on transcript NM_004667.6 (MANE Select); coding-DNA position 12196, G replaced by A.
Protein change: p.Ala4066Thr; replaces alanine 4066 with threonine.
Molecular consequence: missense variant.
Genome position (GRCh38, 1-based): chr15:28,135,512, C>T on the plus strand (G>A on the coding strand, the complement: HERC2 is on the minus strand). VCF-style: chr15-28135512-C-T. GRCh37 (hg19) VCF-style: chr15-28380658-C-T.
Other names: short protein forms A4066T.
Identifiers: ClinVar variation 3384544 (VCV003384544.1).
Genomic context (GRCh38, chr15:28,135,512, plus strand): 5'-GTTGAAATAATTTTTTCACATCATACCTTCTGTTGCCATGCCCCAACTTCCCATCTTCTG[C>T]CTCACCCCAAGAGTAAACTTCTCCTTCTGAAGACAGGGCAAGGCAGTGCTTTCCTCCAGA-3'
Protein context (NP_004658.3, residues 4056-4076): SEGEVYSWGE[Ala4066Thr]EDGKLGHGNR

ClinVar aggregate classification (germline): Uncertain significance (1 of 4 stars; one submission).

gnomAD v4.1: 2 of 1,614,008 alleles (0.00012%); highest among the groups gnomAD compares: African/African-American, 0.0027%; no homozygotes.

Submission:

GeneDx
Classification: Uncertain significance. Last evaluated: 2024-06-03. Review status: criteria provided, single submitter. Criteria: GeneDx Variant Classification Process June 2021. Collection method: clinical testing. Allele origin: germline. Affected: yes.
Comment: Not observed at significant frequency in large population cohorts (gnomAD); In silico analysis indicates that this missense variant does not alter protein structure/function; Has not been previously published as pathogenic or benign to our knowledge